The following is an entry in ClinVar:

NM_004999.4(MYO6):c.41A>G (p.Asp14Gly)

Gene: MYO6 (myosin VI; plus strand). Cytogenetic location: 6q14.1.
Variant type: single nucleotide variant.
Coding change: c.41A>G on transcript NM_004999.4 (MANE Select); coding-DNA position 41, A replaced by G.
Protein change: p.Asp14Gly; replaces aspartic acid 14 with glycine.
Molecular consequence: missense variant. On other transcripts: non-coding transcript variant (2).
Genome position (GRCh38, 1-based): chr6:75,817,588, A>G. VCF-style: chr6-75817588-A-G. GRCh37 (hg19) VCF-style: chr6-76527305-A-G.
Other names: c.41A>G, p.Asp14Gly (NM_001300899.2, NM_001368136.1, NM_001368137.1 and 5 more transcripts); short protein forms D14G.
Identifiers: ClinVar variation 5021064 (VCV005021064.1).
Genomic context (GRCh38, chr6:75,817,588, plus strand): 5'-TCGTGGATCCTCCTTCAAAAATGGAGGATGGAAAGCCCGTTTGGGCGCCACACCCTACAG[A>G]TGGATTTCAGATGGGCAATATTGTGGATATTGGCCCCGACAGCTTAACAATTGAACCCTT-3'
Protein context (NP_004990.3, residues 4-24): GKPVWAPHPT[Asp14Gly]GFQMGNIVDI

ClinVar aggregate classification (germline): Uncertain significance (1 of 4 stars; one submission).

gnomAD v4.1: 2 of 1,614,244 alleles (0.00012%); highest among the groups gnomAD compares: Non-Finnish European, 0.00017%; no homozygotes.

Submission:

Dasa
Classification: Uncertain significance. Last evaluated: 2026-07-29. Review status: criteria provided, single submitter. Criteria: DASA Assertion Criteria. Collection method: clinical testing. Allele origin: germline.
Comment: NM_004999.4(MYO6):c.41A>G (p.Asp14Gly) is a missense variant that results in the substitution of aspartic acid with glycine. This variant is rare in population databases. The currently available literature and clinical evidence are not sufficient to establish a definitive association between this variant and the reported condition. Therefore, this variant is classified as a variant of uncertain significance.